The following is an entry in ClinVar:

ClinVar aggregate classification (germline): Uncertain significance (1 of 4 stars; one submission).

Conditions:
Pitt-Hopkins-like syndrome 2 (PTHSL2). Identifiers: Orphanet 221150, Orphanet 600663, MedGen C3280479, MONDO:0013690, OMIM 614325.

Allele frequency attached by ClinVar (database versions not stated): TOPMed below 0.00001; gnomAD 0.00001; gnomAD exomes 0.00001.
gnomAD v4.1: 13 of 1,602,012 alleles (0.00081%); highest among the groups gnomAD compares: Admixed American, 0.0067%; no homozygotes.

Submission:

Labcorp Genetics (formerly Invitae), Labcorp
Classification: Uncertain significance for Pitt-Hopkins-like syndrome 2. Last evaluated: 2025-07-23. Review status: criteria provided, single submitter. Criteria: Invitae Variant Classification Sherloc (09022015). Collection method: clinical testing. Allele origin: germline.
Comment: This sequence change replaces leucine, which is neutral and non-polar, with phenylalanine, which is neutral and non-polar, at codon 103 of the NRXN1 protein (p.Leu103Phe). The frequency data for this variant in the population databases is considered unreliable, as metrics indicate poor data quality at this position in the gnomAD database. This variant has not been reported in the literature in individuals affected with NRXN1-related conditions. ClinVar contains an entry for this variant (Variation ID: 1367311). An algorithm developed to predict the effect of missense changes on protein structure and function (PolyPhen-2) suggests that this variant is likely to be disruptive. In summary, the available evidence is currently insufficient to determine the role of this variant in disease. Therefore, it has been classified as a Variant of Uncertain Significance.

NM_001330078.2(NRXN1):c.307C>T (p.Leu103Phe)

Gene: NRXN1 (neurexin 1; minus strand). Cytogenetic location: 2p16.3.
Variant type: single nucleotide variant.
Coding change: c.307C>T on transcript NM_001330078.2 (MANE Select); coding-DNA position 307, C replaced by T.
Protein change: p.Leu103Phe; replaces leucine 103 with phenylalanine.
Molecular consequence: missense variant.
Genome position (GRCh38, 1-based): chr2:51,027,967, G>A on the plus strand (C>T on the coding strand, the complement: NRXN1 is on the minus strand). VCF-style: chr2-51027967-G-A. GRCh37 (hg19) VCF-style: chr2-51255105-G-A.
Other names: c.307C>T, p.Leu103Phe (NM_001330086.2, NM_001330087.2, NM_001330088.2 and 15 more transcripts); short protein forms L103F.
Identifiers: ClinVar variation 1367311 (VCV001367311.8), dbSNP rs201648283, ClinGen allele CA48054921.